The following is an entry in ClinVar:

ClinVar aggregate classification (germline): Uncertain significance (1 of 4 stars; one submission).

Conditions:
Metachromatic leukodystrophy (MLD). Also called: METACHROMATIC LEUKOENCEPHALOPATHY; Cerebral sclerosis diffuse metachromatic form; SULFATIDE LIPIDOSIS; Arylsulfatase A Deficiency; ARSA DEFICIENCY; CEREBROSIDE SULFATASE DEFICIENCY. Identifiers: Orphanet 512, MedGen C0023522, MONDO:0018868, OMIM 250100.

Submission:

Juno Genomics, Hangzhou Juno Genomics, Inc
Classification: Uncertain significance for Metachromatic leukodystrophy. Review status: criteria provided, single submitter. Criteria: ACMG Guidelines, 2015. Collection method: clinical testing. Allele origin: germline.
Comment: Absent from controls (or at extremely low frequency if recessive) in Genome Aggregation Database.;Multiple lines of computational evidence support a deleterious effect on the gene or gene product.

NM_000487.6(ARSA):c.455C>T (p.Ser152Phe)

Gene: ARSA (arylsulfatase A; minus strand). Cytogenetic location: 22q13.33.
Variant type: single nucleotide variant.
Coding change: c.455C>T on transcript NM_000487.6 (MANE Select); coding-DNA position 455, C replaced by T.
Protein change: p.Ser152Phe; replaces serine 152 with phenylalanine.
Molecular consequence: missense variant.
Genome position (GRCh38, 1-based): chr22:50,627,176, G>A on the plus strand (C>T on the coding strand, the complement: ARSA is on the minus strand). VCF-style: chr22-50627176-G-A. GRCh37 (hg19) VCF-style: chr22-51065604-G-A.
Other names: c.455C>T, p.Ser152Phe (NM_001085425.3, NM_001085426.3, NM_001085427.3); c.197C>T, p.Ser66Phe (NM_001085428.3, NM_001362782.2); short protein forms S152F, S66F.
Identifiers: ClinVar variation 5019332 (VCV005019332.2).